The following is an entry in ClinVar:

ClinVar aggregate classification (germline): Uncertain significance (1 of 4 stars; one submission).

gnomAD v4.1: 1 of 1,527,644 alleles (0.000065%); highest among the groups gnomAD compares: Non-Finnish European, 0.000088%; no homozygotes.

Submission:

GeneDx
Classification: Uncertain significance. Last evaluated: 2024-02-02. Review status: criteria provided, single submitter. Criteria: GeneDx Variant Classification Process June 2021. Collection method: clinical testing. Allele origin: germline. Affected: yes.
Comment: Not observed at significant frequency in large population cohorts (gnomAD); In silico analysis supports that this missense variant does not alter protein structure/function; Has not been previously published as pathogenic or benign to our knowledge

NM_006265.3(RAD21):c.701T>C (p.Ile234Thr)

Gene: RAD21 (RAD21 cohesin complex component; minus strand). Cytogenetic location: 8q24.11.
Variant type: single nucleotide variant.
Coding change: c.701T>C on transcript NM_006265.3 (MANE Select); coding-DNA position 701, T replaced by C.
Protein change: p.Ile234Thr; replaces isoleucine 234 with threonine.
Molecular consequence: missense variant.
Genome position (GRCh38, 1-based): chr8:116,856,759, A>G on the plus strand (T>C on the coding strand, the complement: RAD21 is on the minus strand). VCF-style: chr8-116856759-A-G. GRCh37 (hg19) VCF-style: chr8-117868998-A-G.
Other names: short protein forms I234T.
Identifiers: ClinVar variation 3368473 (VCV003368473.1).
Genomic context (GRCh38, chr8:116,856,759, plus strand): 5'-ATCACCCCTGCCTCAGAGAGGGCAGGGGGATCATCAAAGATACCGCCATCATTATTACTA[A>G]TAAGTTTGTCATCTGAAATAGGGAATGTAAGTTAGTTATAATTTGAAAAAGAAATGCCAA-3'
Protein context (NP_006256.1, residues 224-244): NDGGILDDKL[Ile234Thr]SNNDGGIFDD